The following is an entry in ClinVar:

NM_004859.4(CLTC):c.2775A>G (p.Gln925=)

Gene: CLTC (clathrin heavy chain; plus strand). Cytogenetic location: 17q23.1.
Variant type: single nucleotide variant.
Coding change: c.2775A>G on transcript NM_004859.4 (MANE Select); coding-DNA position 2775, A replaced by G.
Protein change: p.Gln925=; no amino-acid change (glutamine 925 retained).
Molecular consequence: synonymous variant.
Genome position (GRCh38, 1-based): chr17:59,677,167, A>G. VCF-style: chr17-59677167-A-G. GRCh37 (hg19) VCF-style: chr17-57754528-A-G.
Other names: c.2787A>G, p.Gln929= (NM_001288653.2).
Identifiers: ClinVar variation 1164679 (VCV001164679.34), dbSNP rs74649914, ClinGen allele CA8681454.
Genomic context (GRCh38, chr17:59,677,167, plus strand): 5'-TGGAAAGTATTGTGAGAAGAGAGATCCACATCTGGCCTGTGTTGCTTATGAACGTGGCCA[A>G]TGTGATCTGGAACTTATTAATGTGAGTACTGCTAGCTGAATATGTAGAGAAGCTGCATTT-3'
Protein context (NP_004850.1, residues 915-935): HLACVAYERG[Gln925=]CDLELINVCN

ClinVar aggregate classification (germline): Benign/Likely benign. Review status: criteria provided, multiple submitters, no conflicts (2 of 4 stars). 4 submissions from 4 submitters: Benign (2); Likely benign (2). Last evaluated 2026-02-03.

Allele frequency attached by ClinVar (database versions not stated): gnomAD exomes 0.00033 and 0.00073; ExAC 0.00096; ESP Exome Variant Server 0.00269; gnomAD 0.00275 and 0.00287; TOPMed 0.00312; 1000 Genomes Project 0.00319; 1000 Genomes Project 30x 0.00359.
gnomAD v4.1: 912 of 1,613,746 alleles (0.057%); highest among the groups gnomAD compares: African/African-American, 1%; 7 homozygotes.

Submissions (4):

Labcorp Genetics (formerly Invitae), Labcorp
Classification: Benign. Last evaluated: 2026-02-03. Review status: criteria provided, single submitter. Criteria: Invitae Variant Classification Sherloc (09022015). Collection method: clinical testing. Allele origin: germline.

CeGaT Center for Human Genetics Tuebingen
Classification: Likely benign. Last evaluated: 2025-11-01. Review status: criteria provided, single submitter. Criteria: CeGaT Center For Human Genetics Tuebingen Variant Classification Criteria Version 2. Collection method: clinical testing. Allele origin: germline. Affected: yes. Observed: 4 variant alleles.
Comment: CLTC: BP4, BP7, BS1

Blueprint Genetics
Classification: Likely benign. Last evaluated: 2024-10-18. Review status: criteria provided, single submitter. Criteria: ACMG Guidelines, 2015. Collection method: clinical testing. Allele origin: germline.

Breakthrough Genomics
Classification: Benign. Review status: criteria provided, single submitter. Criteria: ACMG Guidelines, 2015. Collection method: not provided. Allele origin: germline. Inheritance: Autosomal dominant inheritance. Affected: yes.